The following is an entry in ClinVar:

ClinVar aggregate classification (germline): Likely benign (1 of 4 stars; one submission).

gnomAD v4.1: 1 of 1,575,210 alleles (0.000063%); highest among the groups gnomAD compares: Non-Finnish European, 0.000086%; no homozygotes.

Submission:

CeGaT Center for Human Genetics Tuebingen
Classification: Likely benign. Last evaluated: 2026-01-01. Review status: criteria provided, single submitter. Criteria: CeGaT Center For Human Genetics Tuebingen Variant Classification Criteria Version 2. Collection method: clinical testing. Allele origin: germline. Affected: yes. Observed: 1 variant allele.
Comment: CRYBG1: BP4, BP7

NM_001371242.2(CRYBG1):c.1701C>A (p.Ile567=)

Genes: CRYBG1 (crystallin beta-gamma domain containing 1; plus strand), LOC129996908 (ATAC-STARR-seq lymphoblastoid silent region 17433; plus strand). Cytogenetic location: 6q21.
Variant type: single nucleotide variant.
Coding change: c.1701C>A on transcript NM_001371242.2 (MANE Select); coding-DNA position 1701, C replaced by A.
Protein change: p.Ile567=; no amino-acid change (isoleucine 567 retained).
Molecular consequence: synonymous variant.
Genome position (GRCh38, 1-based): chr6:106,512,818, C>A. VCF-style: chr6-106512818-C-A. GRCh37 (hg19) VCF-style: chr6-106960693-C-A.
Other names: c.477C>A, p.Ile159= (NM_001624.4).
Identifiers: ClinVar variation 4823232 (VCV004823232.4).